The following is an entry in ClinVar:

ClinVar aggregate classification (germline): Benign/Likely benign. Review status: criteria provided, multiple submitters, no conflicts (2 of 4 stars). 4 submissions from 4 submitters: Benign (2); Likely benign (1). 1 of the submissions does not count toward it. Last evaluated 2026-01-12.

Conditions:
REN-related disorder. Also called: REN-related condition.

Allele frequency attached by ClinVar (database versions not stated): gnomAD 0.00211 and 0.00229; 1000 Genomes Project 30x 0.00219; ESP Exome Variant Server 0.00238; 1000 Genomes Project 0.00240; TOPMed 0.00242.
gnomAD v4.1: 645 of 1,614,226 alleles (0.04%); highest among the groups gnomAD compares: African/African-American, 0.76%; 2 homozygotes.

Submissions (4):

Labcorp Genetics (formerly Invitae), Labcorp
Classification: Benign. Last evaluated: 2026-01-12. Review status: criteria provided, single submitter. Criteria: Invitae Variant Classification Sherloc (09022015). Collection method: clinical testing. Allele origin: germline.

Blueprint Genetics
Classification: Likely benign. Last evaluated: 2023-08-21. Review status: criteria provided, single submitter. Criteria: ACMG Guidelines, 2015. Collection method: clinical testing. Allele origin: germline.

Breakthrough Genomics
Classification: Benign. Review status: criteria provided, single submitter. Criteria: ACMG Guidelines, 2015. Collection method: not provided. Allele origin: germline. Inheritance: Autosomal recessive inheritance. Affected: yes.

PreventionGenetics, part of Exact Sciences
Classification: Benign for REN-related condition. Last evaluated: 2024-04-05. Review status: no assertion criteria provided. Collection method: clinical testing. Allele origin: germline. Not counted in ClinVar's aggregate classification.
Comment: This variant is classified as benign based on ACMG/AMP sequence variant interpretation guidelines (Richards et al. 2015 PMID: 25741868, with internal and published modifications).

NM_000537.4(REN):c.954G>A (p.Leu318=)

Gene: REN (renin; minus strand). Cytogenetic location: 1q32.1.
Variant type: single nucleotide variant.
Coding change: c.954G>A on transcript NM_000537.4 (MANE Select); coding-DNA position 954, G replaced by A.
Protein change: p.Leu318=; no amino-acid change (leucine 318 retained).
Molecular consequence: synonymous variant.
Genome position (GRCh38, 1-based): chr1:204,156,184, C>T on the plus strand (G>A on the coding strand, the complement: REN is on the minus strand). VCF-style: chr1-204156184-C-T. GRCh37 (hg19) VCF-style: chr1-204125312-C-T.
Identifiers: ClinVar variation 724332 (VCV000724332.13), dbSNP rs11571120, ClinGen allele CA1344727.